The following is an entry in ClinVar:

ClinVar aggregate classification (germline): Uncertain significance. Review status: criteria provided, single submitter (1 of 4 stars). 2 submissions from 2 submitters: Uncertain significance (1). 1 of the submissions does not count toward it. Last evaluated 2024-12-07.

Conditions:
JAK2-related disorder. Also called: JAK2-related condition.

Allele frequency attached by ClinVar (database versions not stated): TOPMed 0.00002; gnomAD 0.00003.
gnomAD v4.1: 4 of 1,613,250 alleles (0.00025%); highest among the groups gnomAD compares: African/African-American, 0.0053%; no homozygotes.

Submissions (2):

Labcorp Genetics (formerly Invitae), Labcorp
Classification: Uncertain significance. Last evaluated: 2024-12-07. Review status: criteria provided, single submitter. Criteria: Invitae Variant Classification Sherloc (09022015). Collection method: clinical testing. Allele origin: germline.
Comment: This sequence change replaces asparagine, which is neutral and polar, with threonine, which is neutral and polar, at codon 479 of the JAK2 protein (p.Asn479Thr). This variant is present in population databases (no rsID available, gnomAD 0.02%). This variant has not been reported in the literature in individuals affected with JAK2-related conditions. ClinVar contains an entry for this variant (Variation ID: 3058353). Invitae Evidence Modeling of protein sequence and biophysical properties (such as structural, functional, and spatial information, amino acid conservation, physicochemical variation, residue mobility, and thermodynamic stability) indicates that this missense variant is not expected to disrupt JAK2 protein function with a negative predictive value of 80%. In summary, the available evidence is currently insufficient to determine the role of this variant in disease. Therefore, it has been classified as a Variant of Uncertain Significance.

PreventionGenetics, part of Exact Sciences
Classification: Uncertain significance for JAK2-related condition. Last evaluated: 2023-11-14. Review status: no assertion criteria provided. Collection method: clinical testing. Allele origin: germline. Not counted in ClinVar's aggregate classification.
Comment: The JAK2 c.1436A>C variant is predicted to result in the amino acid substitution p.Asn479Thr. To our knowledge, this variant has not been reported in the literature. This variant is reported in 0.011% of alleles in individuals of African descent in gnomAD. At this time, the clinical significance of this variant is uncertain due to the absence of conclusive functional and genetic evidence.

NM_004972.4(JAK2):c.1436A>C (p.Asn479Thr)

Genes: INSL6 (insulin like 6; minus strand), JAK2 (Janus kinase 2; plus strand). Cytogenetic location: 9p24.1.
Variant type: single nucleotide variant.
Coding change: c.1436A>C on transcript NM_004972.4 (MANE Select); coding-DNA position 1436, A replaced by C.
Protein change: p.Asn479Thr; replaces asparagine 479 with threonine.
Molecular consequence: missense variant. On other transcripts: non-coding transcript variant (2).
Genome position (GRCh38, 1-based): chr9:5,069,131, A>C. VCF-style: chr9-5069131-A-C. GRCh37 (hg19) VCF-style: chr9-5069131-A-C.
Other names: c.1436A>C, p.Asn479Thr (NM_001322194.2, NM_001322195.2, NM_001322196.2); c.221A>C, p.Asn74Thr (NM_001322198.2, NM_001322199.2); c.989A>C, p.Asn330Thr (NM_001322204.2); short protein forms N330T, N479T, N74T.
Identifiers: ClinVar variation 3058353 (VCV003058353.4), dbSNP rs932450678, ClinGen allele CA188423385.
Genomic context (GRCh38, chr9:5,069,131, plus strand): 5'-ATGAAGAGTACAACCTCAGTGGGACAAAGAAGAACTTCAGCAGTCTTAAAGATCTTTTGA[A>C]TTGTTACCAGATGGAAACTGTTCGCTCAGACAATATAATTTTCCAGTTTACTAAATGCTG-3'
Protein context (NP_004963.1, residues 469-489): KNFSSLKDLL[Asn479Thr]CYQMETVRSD